The following is an entry in ClinVar:

NM_205850.3(SLC24A5):c.302-1G>C

Gene: SLC24A5 (solute carrier family 24 member 5; plus strand). Cytogenetic location: 15q21.1.
Variant type: single nucleotide variant.
Coding change: c.302-1G>C on transcript NM_205850.3 (MANE Select); the canonical splice acceptor site of the intron before coding-DNA position 302, G replaced by C.
Molecular consequence: splice acceptor variant.
Genome position (GRCh38, 1-based): chr15:48,134,257, G>C. VCF-style: chr15-48134257-G-C. GRCh37 (hg19) VCF-style: chr15-48426454-G-C.
Identifiers: ClinVar variation 2003903 (VCV002003903.4), dbSNP rs2504592443, ClinGen allele CA392449604.

ClinVar aggregate classification (germline): Likely pathogenic (1 of 4 stars; one submission).

Submission:

Labcorp Genetics (formerly Invitae), Labcorp
Classification: Likely pathogenic. Last evaluated: 2022-06-09. Review status: criteria provided, single submitter. Criteria: Invitae Variant Classification Sherloc (09022015). Collection method: clinical testing. Allele origin: germline.
Comment: In summary, the currently available evidence indicates that the variant is pathogenic, but additional data are needed to prove that conclusively. Therefore, this variant has been classified as Likely Pathogenic. This sequence change affects an acceptor splice site in intron 2 of the SLC24A5 gene. It is expected to disrupt RNA splicing. Variants that disrupt the donor or acceptor splice site typically lead to a loss of protein function (PMID: 16199547), and loss-of-function variants in SLC24A5 are known to be pathogenic (PMID: 23985994, 26686029). This variant is not present in population databases (gnomAD no frequency). This variant has not been reported in the literature in individuals affected with SLC24A5-related conditions. Algorithms developed to predict the effect of sequence changes on RNA splicing suggest that this variant may disrupt the consensus splice site.

Literature cited by the submitters: PubMed 16199547; PubMed 23985994; PubMed 26686029.